The following is an entry in ClinVar:

ClinVar aggregate classification (germline): Uncertain significance (1 of 4 stars; one submission).

gnomAD v4.1: 3 of 1,614,034 alleles (0.00019%); highest among the groups gnomAD compares: South Asian, 0.0011%; no homozygotes.

Submission:

CeGaT Center for Human Genetics Tuebingen
Classification: Uncertain significance. Last evaluated: 2025-08-01. Review status: criteria provided, single submitter. Criteria: CeGaT Center For Human Genetics Tuebingen Variant Classification Criteria Version 2. Collection method: clinical testing. Allele origin: germline. Affected: yes. Observed: 1 variant allele.
Comment: MYBBP1A: PM2, PM3:Supporting, BP4

NM_014520.4(MYBBP1A):c.2964G>A (p.Lys988=)

Gene: MYBBP1A (MYB binding protein 1a; minus strand). Cytogenetic location: 17p13.2.
Variant type: single nucleotide variant.
Coding change: c.2964G>A on transcript NM_014520.4 (MANE Select); coding-DNA position 2964, G replaced by A.
Protein change: p.Lys988=; no amino-acid change (lysine 988 retained).
Molecular consequence: synonymous variant.
Genome position (GRCh38, 1-based): chr17:4,542,670, C>T on the plus strand (G>A on the coding strand, the complement: MYBBP1A is on the minus strand). VCF-style: chr17-4542670-C-T. GRCh37 (hg19) VCF-style: chr17-4445965-C-T.
Other names: c.2964G>A, p.Lys988= (NM_001105538.2).
Identifiers: ClinVar variation 4084893 (VCV004084893.8).